The following is an entry in ClinVar:

NM_007294.3:c.-232_*1383del

Gene: BRCA1 (BRCA1 DNA repair associated; minus strand).
Variant type: Deletion.
Identifiers: ClinVar variation 993168 (VCV000993168.2).

ClinVar aggregate classification (germline): Pathogenic (1 of 4 stars; one submission).

Submission:

Quest Diagnostics Nichols Institute San Juan Capistrano
Classification: Pathogenic. Last evaluated: 2019-11-14. Review status: criteria provided, single submitter. Criteria: Quest Diagnostics criteria. Collection method: clinical testing. Allele origin: unknown.
Comment: The variant results in the deletion of at least one complete exon, and is therefore predicted to result in the loss of a functional protein. A deletion of the BRCA1 gene has been reported in multiple individuals with breast and/or ovarian cancer in the published literature (PMIDs: 24686251 (2014), 21281505 (2011), 18330910 (2008), 17661172 (2008), and 16793929 (2006)). Based on the available information, the variant is classified as pathogenic.

Literature cited by the submitters: PubMed 28324225; PubMed 21281505; PubMed 24686251; PubMed 17661172; PubMed 18330910; PubMed 16793929.